The following is an entry in ClinVar:

NM_020070.4(IGLL1):c.605C>G (p.Thr202Ser)

Gene: IGLL1 (immunoglobulin lambda like polypeptide 1; minus strand). Cytogenetic location: 22q11.23.
Variant type: single nucleotide variant.
Coding change: c.605C>G on transcript NM_020070.4 (MANE Select); coding-DNA position 605, C replaced by G.
Protein change: p.Thr202Ser; replaces threonine 202 with serine.
Molecular consequence: missense variant. On other transcripts: 3 prime UTR variant (1).
Genome position (GRCh38, 1-based): chr22:23,573,303, G>C on the plus strand (C>G on the coding strand, the complement: IGLL1 is on the minus strand). VCF-style: chr22-23573303-G-C. GRCh37 (hg19) VCF-style: chr22-23915490-G-C.
Other names: c.605C>G (NM_020070.2); c.608C>G, p.Thr203Ser (NM_001369906.1); c.*234C>G (NM_152855.3); short protein forms T203S, T202S.
Identifiers: ClinVar variation 1497677 (VCV001497677.9), dbSNP rs369307571, ClinGen allele CA10143212.

ClinVar aggregate classification (germline): Uncertain significance. Review status: criteria provided, multiple submitters, no conflicts (2 of 4 stars). 2 submissions from 2 submitters: Uncertain significance (2). Last evaluated 2025-06-12.

Conditions:
Agammaglobulinemia 2, autosomal recessive (AGM2). Also called: AGAMMAGLOBULINEMIA, AUTOSOMAL RECESSIVE, DUE TO IGLL1 DEFECT. Identifiers: MedGen C3150750, MONDO:0013287, OMIM 613500.

Allele frequency attached by ClinVar (database versions not stated): ExAC 0.00002; gnomAD 0.00002; gnomAD exomes 0.00004; TOPMed 0.00004; ESP Exome Variant Server 0.00008.
gnomAD v4.1: 53 of 1,613,976 alleles (0.0033%); highest among the groups gnomAD compares: Non-Finnish European, 0.0037%; no homozygotes.

Submissions (2):

Labcorp Genetics (formerly Invitae), Labcorp
Classification: Uncertain significance for Agammaglobulinemia 2, autosomal recessive. Last evaluated: 2025-06-12. Review status: criteria provided, single submitter. Criteria: Invitae Variant Classification Sherloc (09022015). Collection method: clinical testing. Allele origin: germline.
Comment: This sequence change replaces threonine, which is neutral and polar, with serine, which is neutral and polar, at codon 202 of the IGLL1 protein (p.Thr202Ser). This variant is present in population databases (rs369307571, gnomAD 0.007%). This variant has not been reported in the literature in individuals affected with IGLL1-related conditions. ClinVar contains an entry for this variant (Variation ID: 1497677). An algorithm developed to predict the effect of missense changes on protein structure and function (PolyPhen-2) suggests that this variant is likely to be tolerated. In summary, the available evidence is currently insufficient to determine the role of this variant in disease. Therefore, it has been classified as a Variant of Uncertain Significance.

Ambry Genetics
Classification: Uncertain significance. Last evaluated: 2022-01-05. Review status: criteria provided, single submitter. Criteria: Ambry Variant Classification Scheme 2023. Collection method: clinical testing. Allele origin: germline.